The following is an entry in ClinVar:

ClinVar aggregate classification (germline): Uncertain significance (1 of 4 stars; one submission).

Conditions:
Hereditary cancer-predisposing syndrome. Also called: Neoplastic Syndromes, Hereditary; Tumor predisposition; Hereditary neoplastic syndrome; Hereditary Cancer Syndrome. Identifiers: Orphanet 140162, MedGen C0027672, MeSH D009386, MONDO:0015356.

Submission:

Ambry Genetics
Classification: Uncertain significance for Hereditary cancer-predisposing syndrome. Last evaluated: 2024-01-25. Review status: criteria provided, single submitter. Criteria: Ambry Variant Classification Scheme 2023. Collection method: clinical testing. Allele origin: germline.
Comment: The p.N406S variant (also known as c.1217A>G), located in coding exon 9 of the BRCA1 gene, results from an A to G substitution at nucleotide position 1217. The asparagine at codon 406 is replaced by serine, an amino acid with highly similar properties. This amino acid position is not well conserved in available vertebrate species. In addition, the in silico prediction for this alteration is inconclusive. Based on the available evidence, the clinical significance of this alteration remains unclear.

NM_007294.4(BRCA1):c.1217A>G (p.Asn406Ser)

Gene: BRCA1 (BRCA1 DNA repair associated; minus strand). Cytogenetic location: 17q21.31.
Variant type: single nucleotide variant.
Coding change: c.1217A>G on transcript NM_007294.4 (MANE Select); coding-DNA position 1217, A replaced by G.
Protein change: p.Asn406Ser; replaces asparagine 406 with serine.
Molecular consequence: missense variant. On other transcripts: intron variant (137).
Genome position (GRCh38, 1-based): chr17:43,094,314, T>C on the plus strand (A>G on the coding strand, the complement: BRCA1 is on the minus strand). VCF-style: chr17-43094314-T-C. GRCh37 (hg19) VCF-style: chr17-41246331-T-C.
Other names: c.881A>G, p.Asn294Ser (NM_001407958.1, NM_001407954.1, NM_001407955.1 and 1 more transcripts); c.836A>G, p.Asn279Ser (NM_001407959.1, NM_001407960.1, NM_001407963.1); c.833A>G, p.Asn278Ser (NM_001407962.1); c.1004A>G, p.Asn335Ser (NM_001407571.1, NM_001407853.1, NM_001407894.1 and 9 more transcripts); c.1217A>G, p.Asn406Ser (NM_001407581.1, NM_001407582.1, NM_001407583.1 and 30 more transcripts); c.1214A>G, p.Asn405Ser (NM_001407587.1, NM_001407590.1, NM_001407591.1 and 22 more transcripts); c.1208A>G, p.Asn403Ser (NM_001407646.1, NM_001407647.1); c.1094A>G, p.Asn365Ser (NM_001407648.1, NM_001407664.1, NM_001407665.1 and 19 more transcripts); and 40 more; short protein forms N110S, N238S, N278S, N279S, N294S, N295S, N317S, N318S.
Identifiers: ClinVar variation 3226097 (VCV003226097.1), dbSNP rs2154466927, ClinGen allele CA10599617.